The following is an entry in ClinVar:

NM_001287.6(CLCN7):c.1391C>T (p.Ala464Val)

Gene: CLCN7 (chloride voltage-gated channel 7; minus strand). Cytogenetic location: 16p13.3.
Variant type: single nucleotide variant.
Coding change: c.1391C>T on transcript NM_001287.6 (MANE Select); coding-DNA position 1391, C replaced by T.
Protein change: p.Ala464Val; replaces alanine 464 with valine.
Molecular consequence: missense variant.
Genome position (GRCh38, 1-based): chr16:1,451,679, G>A on the plus strand (C>T on the coding strand, the complement: CLCN7 is on the minus strand). VCF-style: chr16-1451679-G-A. GRCh37 (hg19) VCF-style: chr16-1501680-G-A.
Other names: c.1391C>T (NM_001287.4); c.1319C>T, p.Ala440Val (NM_001114331.3); short protein forms A440V, A464V.
Identifiers: ClinVar variation 3623187 (VCV003623187.3).

ClinVar aggregate classification (germline): Uncertain significance. Review status: criteria provided, multiple submitters, no conflicts (2 of 4 stars). 2 submissions from 2 submitters: Uncertain significance (2). Last evaluated 2025-11-13.

Conditions:
Inborn genetic diseases. Identifiers: MedGen C0950123, MeSH D030342.

Submissions (2):

Ambry Genetics
Classification: Uncertain significance for Inborn genetic diseases. Last evaluated: 2025-11-13. Review status: criteria provided, single submitter. Criteria: Ambry Variant Classification Scheme 2023. Collection method: clinical testing. Allele origin: germline.

Labcorp Genetics (formerly Invitae), Labcorp
Classification: Uncertain significance. Last evaluated: 2024-11-04. Review status: criteria provided, single submitter. Criteria: Invitae Variant Classification Sherloc (09022015). Collection method: clinical testing. Allele origin: germline.
Comment: This sequence change replaces alanine, which is neutral and non-polar, with valine, which is neutral and non-polar, at codon 464 of the CLCN7 protein (p.Ala464Val). The frequency data for this variant in the population databases is considered unreliable, as metrics indicate poor data quality at this position in the gnomAD database. This variant has not been reported in the literature in individuals affected with CLCN7-related conditions. Invitae Evidence Modeling of protein sequence and biophysical properties (such as structural, functional, and spatial information, amino acid conservation, physicochemical variation, residue mobility, and thermodynamic stability) indicates that this missense variant is not expected to disrupt CLCN7 protein function with a negative predictive value of 95%. In summary, the available evidence is currently insufficient to determine the role of this variant in disease. Therefore, it has been classified as a Variant of Uncertain Significance.